The following is an entry in ClinVar:

NM_017617.5(NOTCH1):c.2969+1G>T

Gene: NOTCH1 (notch receptor 1; minus strand). Cytogenetic location: 9q34.3.
Variant type: single nucleotide variant.
Coding change: c.2969+1G>T on transcript NM_017617.5 (MANE Select); the canonical splice donor site of the intron after coding-DNA position 2969, G replaced by T.
Molecular consequence: splice donor variant.
Genome position (GRCh38, 1-based): chr9:136,509,732, C>A on the plus strand (G>T on the coding strand, the complement: NOTCH1 is on the minus strand). VCF-style: chr9-136509732-C-A. GRCh37 (hg19) VCF-style: chr9-139404184-C-A.
Identifiers: ClinVar variation 2413167 (VCV002413167.1), dbSNP rs2540445553, ClinGen allele CA375553426.

ClinVar aggregate classification (germline): other (1 of 4 stars; one submission).

Conditions:
Cholesteatoma of middle ear. Identifiers: MedGen C0155490, MeSH D018424, MONDO:0006533.

Submission:

Department of Human Genetics, Nagasaki University
Classification: other for Cholesteatoma of middle ear. Review status: criteria provided, single submitter. Criteria: AMP Guidelines, 2017. Collection method: research. Allele origin: somatic. Affected: yes. Observed: 1 variant allele.
Comment: variant allele frequency in tumor is 0.0430 (40/891)